The following is an entry in ClinVar:

NM_001267550.2(TTN):c.4257dup (p.Ala1420fs)

Genes: TTN (titin; minus strand), LOC101927055 (uncharacterized LOC101927055; plus strand). Cytogenetic location: 2q31.2.
Variant type: Duplication.
Coding change: c.4257dup on transcript NM_001267550.2 (MANE Select); coding-DNA position 4257, one base duplicated (T; older notation c.4257dupT).
Protein change: p.Ala1420fs; shifts the reading frame from alanine 1420.
Molecular consequence: frameshift variant. On other transcripts: non-coding transcript variant (1).
Genome position (GRCh38, 1-based): chr2:178,777,927, A duplicated on the plus strand (T on the coding strand, the reverse complement: TTN is on the minus strand). VCF-style (leftmost placement, unchanged base first): chr2-178777926-C-CA. GRCh37 (hg19) VCF-style: chr2-179642653-C-CA.
Other names: c.4257dup, p.Ala1420fs (NM_001256850.1, NM_133378.4, NM_133379.5); c.4119dup, p.Ala1374fs (NM_003319.4, NM_133432.3, NM_133437.4); c.4119dupT (NM_003319.4); short protein forms A1374fs, A1420fs.
Identifiers: ClinVar variation 3223264 (VCV003223264.2), dbSNP rs2532976979, ClinGen allele CA2825001053.

ClinVar aggregate classification (germline): Likely pathogenic (1 of 4 stars; one submission).

Conditions:
Cardiovascular phenotype. Identifiers: MedGen CN230736.

Submission:

Ambry Genetics
Classification: Likely pathogenic for Cardiovascular phenotype. Last evaluated: 2025-02-25. Review status: criteria provided, single submitter. Criteria: Ambry Variant Classification Scheme 2023. Collection method: clinical testing. Allele origin: germline.
Comment: The c.4119dupT variant, located in coding exon 23 of the TTN gene, results from a duplication of T at nucleotide position 4119, causing a translational frameshift with a predicted alternate stop codon (p.A1374Cfs*23). This exon is located in the near Z-disk region of the N2-B isoform of the titin protein and is not constitutively expressed in TTN transcripts (percent spliced in or PSI 100%). This variant is considered to be rare based on population cohorts in the Genome Aggregation Database (gnomAD). This variant is expected to result in loss of function by premature protein truncation or nonsense-mediated mRNA decay. While truncating variants in TTN are present in 1-3% of the general population, truncating variants in the A-band are the most common cause of dilated cardiomyopathy (Herman DS et al. N. Engl. J. Med., 2012 Feb;366:619-28; Roberts AM et al. Sci Transl Med, 2015 Jan;7:270ra6). TTN truncating variants encoded in constitutive exons (PSI >90%) have been found to be significantly associated with DCM regardless of their position in titin (Schafer S et al. Nat. Genet., 2017 01;49:46-53; Akhtar MM et al. Circ Heart Fail, 2020 Oct;13:e006832; Massier M et al. Clin Genet, 2025 Jan). Based on the majority of available evidence to date, this variant is likely to be pathogenic.